The following is an entry in ClinVar:

ClinVar aggregate classification (germline): Uncertain significance (1 of 4 stars; one submission).

Conditions:
Palmoplantar keratoderma-esophageal carcinoma syndrome (TOC). Also called: KERATOSIS PALMARIS ET PLANTARIS WITH ESOPHAGEAL CANCER; PALMOPLANTAR KERATODERMA WITH ESOPHAGEAL CANCER; Tylosis with Esophageal Cancer. Identifiers: Orphanet 2198, MedGen C1835664, MONDO:0007856, OMIM 148500.

Allele frequency attached by ClinVar (database versions not stated): TOPMed 0.00001.
gnomAD v4.1: 1 of 1,614,084 alleles (0.000062%); no homozygotes.

Submission:

Baylor Genetics
Classification: Uncertain significance for Palmoplantar keratoderma-esophageal carcinoma syndrome. Last evaluated: 2020-11-25. Review status: criteria provided, single submitter. Criteria: ACMG Guidelines, 2015. Collection method: clinical testing. Allele origin: maternal. Affected: yes. Study: CSER-TexasKidsCanSeq.
Comment: This variant was determined to be of uncertain significance according to ACMG Guidelines, 2015 [PMID:25741868].

NM_001005498.4(RHBDF2):c.2032G>A (p.Ala678Thr)

Gene: RHBDF2 (rhomboid 5 homolog 2; minus strand). Cytogenetic location: 17q25.1.
Variant type: single nucleotide variant.
Coding change: c.2032G>A on transcript NM_001005498.4 (MANE Select); coding-DNA position 2032, G replaced by A.
Protein change: p.Ala678Thr; replaces alanine 678 with threonine.
Molecular consequence: missense variant. On other transcripts: non-coding transcript variant (3).
Genome position (GRCh38, 1-based): chr17:76,472,718, C>T on the plus strand (G>A on the coding strand, the complement: RHBDF2 is on the minus strand). VCF-style: chr17-76472718-C-T. GRCh37 (hg19) VCF-style: chr17-74468800-C-T.
Other names: c.2032G>A, p.Ala678Thr (NM_001376228.1, NM_001376229.1, NM_001376230.1); c.2119G>A, p.Ala707Thr (NM_024599.5); short protein forms A678T, A707T.
Identifiers: ClinVar variation 997655 (VCV000997655.2), dbSNP rs2073625409, ClinGen allele CA401165317.